The following is an entry in ClinVar:

NM_001608.4(ACADL):c.928_929del (p.Thr310fs)

Gene: ACADL (acyl-CoA dehydrogenase long chain; minus strand). Cytogenetic location: 2q34.
Variant type: Deletion.
Coding change: c.928_929del on transcript NM_001608.4 (MANE Select); coding-DNA positions 928 to 929, 2 bases deleted (AC; older notation c.928_929delAC).
Protein change: p.Thr310fs; shifts the reading frame from threonine 310.
Molecular consequence: frameshift variant.
Genome position (GRCh38, 1-based): chr2:210,203,386-210,203,387, GT deleted on the plus strand (AC on the coding strand, the reverse complement: ACADL is on the minus strand). VCF-style (leftmost placement, unchanged base first): chr2-210203385-GGT-G. GRCh37 (hg19) VCF-style: chr2-211068109-GGT-G.
Other names: short protein forms T310fs.
Identifiers: ClinVar variation 811587 (VCV000811587.12), dbSNP rs549315531, ClinGen allele CA2084882.
Genomic context (GRCh38, chr2:210,203,385, plus strand): 5'-GCTTACCTGTAGGTGAGCAACTGTTTTGCCAAAAGCTTTTCTTTGTTTAACATAGTTCCT[GGT>G]TTCTTCAAACATGAATTCACTAGCTGAAATTGCCACATCAGCAATTAACAGCCTTTCCTA-3'

ClinVar aggregate classification (germline): Conflicting classifications of pathogenicity. Review status: criteria provided, conflicting classifications (1 of 4 stars). 3 submissions from 3 submitters: Uncertain significance (2); Likely benign (1). Last evaluated 2024-11-21.

Allele frequency attached by ClinVar (database versions not stated): 1000 Genomes Project 30x 0.00172; 1000 Genomes Project 0.00180; ESP Exome Variant Server 0.00192; ExAC 0.00197; gnomAD 0.00519 and 0.00529; gnomAD exomes 0.00699.

Submissions (3):

Blueprint Genetics
Classification: Likely benign. Last evaluated: 2024-11-21. Review status: criteria provided, single submitter. Criteria: ACMG Guidelines, 2015. Collection method: clinical testing. Allele origin: germline.

ARUP Laboratories, Molecular Genetics and Genomics, ARUP Laboratories
Classification: Uncertain significance. Last evaluated: 2023-11-01. Review status: criteria provided, single submitter. Criteria: ARUP Molecular Germline Variant Investigation Process 2024. Collection method: clinical testing. Allele origin: germline.
Comment: The ACADL c.928_933delinsCATGAATGTTATGTTT; p.Thr310fs variant, to our knowledge, has not been reported in the medical literature or gene specific databases. Due to the complex nature of this variant, next generation sequencing pipelines do not accurately call this variant across multiple platforms. Due to the imprecise nature of the annotation, population frequency estimates may not be accurate. However, by examining raw read data in the Genome Aggregation Database linked to a different variant (listed in dbSNP under rs549315531), it appears that the c.928_933delinsCATGAATGTTATGTTT variant is indeed present in the Finnish population with an allele frequency of 1.1% (37/3,486 alleles), suggesting that this variant is common. This variant introduces a frameshift in exon 8 (of 11) and is expected to result in a truncated or absent protein product. While this variant is predicted to be damaging to the ACADL enzyme, as a clear genotype/phenotype disease association has yet to be firmly established for ACADL, based on the available information, the clinical significance of this variant is uncertain.

Breakthrough Genomics
Classification: Uncertain significance. Review status: criteria provided, single submitter. Criteria: ACMG Guidelines, 2015. Collection method: not provided. Allele origin: germline. Inheritance: Unknown mechanism. Affected: yes.